The following is an entry in ClinVar:

NM_000875.5(IGF1R):c.307C>T (p.Leu103Phe)

Gene: IGF1R (insulin like growth factor 1 receptor; plus strand). Cytogenetic location: 15q26.3.
Variant type: single nucleotide variant.
Coding change: c.307C>T on transcript NM_000875.5 (MANE Select); coding-DNA position 307, C replaced by T.
Protein change: p.Leu103Phe; replaces leucine 103 with phenylalanine.
Molecular consequence: missense variant.
Genome position (GRCh38, 1-based): chr15:98,707,774, C>T. VCF-style: chr15-98707774-C-T. GRCh37 (hg19) VCF-style: chr15-99251003-C-T.
Other names: c.307C>T, p.Leu103Phe (NM_001291858.2); short protein forms L103F.
Identifiers: ClinVar variation 4534600 (VCV004534600.6).

ClinVar aggregate classification (germline): Uncertain significance (1 of 4 stars; one submission).

Submission:

CeGaT Center for Human Genetics Tuebingen
Classification: Uncertain significance. Last evaluated: 2025-11-01. Review status: criteria provided, single submitter. Criteria: CeGaT Center For Human Genetics Tuebingen Variant Classification Criteria Version 2. Collection method: clinical testing. Allele origin: germline. Affected: yes. Observed: 1 variant allele.
Comment: IGF1R: PM2, PP3